The following is an entry in ClinVar:

ClinVar aggregate classification (germline): Pathogenic (1 of 4 stars; one submission).

Conditions:
Sulfite oxidase deficiency. Also called: Isolated sulfite oxidase deficiency. Identifiers: Orphanet 833, Orphanet 99731, MedGen C0268624, MONDO:0010089, OMIM 272300, HP:0003643.

Submission:

Labcorp Genetics (formerly Invitae), Labcorp
Classification: Pathogenic for Sulfite oxidase deficiency. Last evaluated: 2022-09-13. Review status: criteria provided, single submitter. Criteria: Invitae Variant Classification Sherloc (09022015). Collection method: clinical testing. Allele origin: germline.
Comment: This sequence change creates a premature translational stop signal (p.Pro370Leufs*15) in the SUOX gene. While this is not anticipated to result in nonsense mediated decay, it is expected to disrupt the last 176 amino acid(s) of the SUOX protein. This variant is not present in population databases (gnomAD no frequency). This variant has not been reported in the literature in individuals affected with SUOX-related conditions. This variant disrupts a region of the SUOX protein in which other variant(s) (p.Arg529*) have been determined to be pathogenic (PMID: 17940249, 28980090). This suggests that this is a clinically significant region of the protein, and that variants that disrupt it are likely to be disease-causing. For these reasons, this variant has been classified as Pathogenic.

Literature cited by the submitters: PubMed 17940249; PubMed 28980090.

NM_001032386.2(SUOX):c.1109del (p.Pro370fs)

Gene: SUOX (sulfite oxidase; plus strand). Cytogenetic location: 12q13.2.
Variant type: Deletion.
Coding change: c.1109del on transcript NM_001032386.2 (MANE Select); coding-DNA position 1109, one base deleted (C; older notation c.1109delC).
Protein change: p.Pro370fs; shifts the reading frame from proline 370.
Molecular consequence: frameshift variant.
Genome position (GRCh38, 1-based): chr12:56,004,498, C deleted; the last of 2 consecutive C bases (chr12:56,004,497-56,004,498); deleting either gives the same sequence. VCF-style (leftmost placement, unchanged base first): chr12-56004496-TC-T. GRCh37 (hg19) VCF-style: chr12-56398280-TC-T.
Other names: c.1109del, p.Pro370fs (NM_000456.3, NM_001032387.2); short protein forms P370fs.
Identifiers: ClinVar variation 2164571 (VCV002164571.1), dbSNP rs1890663871, ClinGen allele CA947977023.
Genomic context (GRCh38, chr12:56,004,496, plus strand): 5'-ATATGAGATGAATGGGCAGCCTCTGCCACGTGACCACGGCTTCCCTGTGCGTGTGGTGGT[TC>T]CTGGAGTGGTGGGTGCCCGCCATGTCAAATGGCTGGGCAGAGTGAGTGTGCAGCCAGAGG-3'